The following is an entry in ClinVar:

NM_000416.3(IFNGR1):c.569A>C (p.Gln190Pro)

Gene: IFNGR1 (interferon gamma receptor 1; minus strand). Cytogenetic location: 6q23.3.
Variant type: single nucleotide variant.
Coding change: c.569A>C on transcript NM_000416.3 (MANE Select); coding-DNA position 569, A replaced by C.
Protein change: p.Gln190Pro; replaces glutamine 190 with proline.
Molecular consequence: missense variant.
Genome position (GRCh38, 1-based): chr6:137,203,663, T>G on the plus strand (A>C on the coding strand, the complement: IFNGR1 is on the minus strand). VCF-style: chr6-137203663-T-G. GRCh37 (hg19) VCF-style: chr6-137524800-T-G.
Other names: c.539A>C, p.Gln180Pro (NM_001363526.1); c.446A>C, p.Gln149Pro (NM_001363527.1); short protein forms Q180P, Q190P, Q149P.
Identifiers: ClinVar variation 1477370 (VCV001477370.6), dbSNP rs1176104188, ClinGen allele CA365775097.
Genomic context (GRCh38, chr6:137,203,663, plus strand): 5'-TTCAGTGAGGATACTGGAATCGCTAACTGGCACTGAATCTCGTCACAATCATCTTCCTTC[T>G]GCGTGAGTATTTTATACTGGATCTAGATGAAAAAAGAAAACAGTGAAAATGCACAGCTTC-3'
Protein context (NP_000407.1, residues 180-200): GSEIQYKILT[Gln190Pro]KEDDCDEIQC

ClinVar aggregate classification (germline): Uncertain significance (1 of 4 stars; one submission).

Conditions:
Disseminated atypical mycobacterial infection. Identifiers: MedGen C0694566.

Allele frequency attached by ClinVar (database versions not stated): gnomAD exomes below 0.00001.

Submission:

Labcorp Genetics (formerly Invitae), Labcorp
Classification: Uncertain significance for Disseminated atypical mycobacterial infection. Last evaluated: 2021-08-11. Review status: criteria provided, single submitter. Criteria: Invitae Variant Classification Sherloc (09022015). Collection method: clinical testing. Allele origin: germline.
Comment: Algorithms developed to predict the effect of missense changes on protein structure and function (SIFT, PolyPhen-2, Align-GVGD) all suggest that this variant is likely to be tolerated. In summary, the available evidence is currently insufficient to determine the role of this variant in disease. Therefore, it has been classified as a Variant of Uncertain Significance. This variant has not been reported in the literature in individuals affected with IFNGR1-related conditions. This variant is not present in population databases (ExAC no frequency). This sequence change replaces glutamine with proline at codon 190 of the IFNGR1 protein (p.Gln190Pro). The glutamine residue is weakly conserved and there is a moderate physicochemical difference between glutamine and proline.